The following is an entry in ClinVar:

ClinVar aggregate classification (germline): Pathogenic (1 of 4 stars; one submission).

Submission:

Labcorp Genetics (formerly Invitae), Labcorp
Classification: Pathogenic. Last evaluated: 2022-06-04. Review status: criteria provided, single submitter. Criteria: Invitae Variant Classification Sherloc (09022015). Collection method: clinical testing. Allele origin: germline.
Comment: For these reasons, this variant has been classified as Pathogenic. This variant has not been reported in the literature in individuals affected with CDH23-related conditions. This variant is not present in population databases (gnomAD no frequency). This sequence change creates a premature translational stop signal (p.Glu2208Profs*12) in the CDH23 gene. It is expected to result in an absent or disrupted protein product. Loss-of-function variants in CDH23 are known to be pathogenic (PMID: 11138009, 21940737).

Literature cited by the submitters: PubMed 11138009; PubMed 21940737.

NM_022124.6(CDH23):c.6622_6626del (p.Glu2208fs)

Gene: CDH23 (cadherin related 23; plus strand). Cytogenetic location: 10q22.1.
Variant type: Deletion.
Coding change: c.6622_6626del on transcript NM_022124.6 (MANE Select); coding-DNA positions 6622 to 6626, 5 bases deleted (GAGTA; older notation c.6622_6626delGAGTA).
Protein change: p.Glu2208fs; shifts the reading frame from glutamic acid 2208.
Molecular consequence: frameshift variant.
Genome position (GRCh38, 1-based): chr10:71,793,550-71,793,554, GAGTA deleted; deleting any 5 consecutive bases within chr10:71,793,548-71,793,554 gives the same sequence; the c. name uses the placement nearest the transcript's 3' end. VCF-style (leftmost placement, unchanged base first): chr10-71793547-CTAGAG-C. GRCh37 (hg19) VCF-style: chr10-73553304-CTAGAG-C.
Other names: short protein forms E2208fs.
Identifiers: ClinVar variation 1964228 (VCV001964228.5), dbSNP rs2494385585, ClinGen allele CA2580081873.
Genomic context (GRCh38, chr10:71,793,547, plus strand): 5'-GCTGAGCCAGGCACTGTCATTGCCAATATCACGGCCATTGACCACGACCTCAACCCAAAG[CTAGAG>C]TACCACATTGTCGGCATTGTGGCCAAGGACGACACTGATCGCCTGGTGCCCAACCAGGAG-3'